The following is an entry in ClinVar:

ClinVar aggregate classification (germline): Uncertain significance. Review status: criteria provided, multiple submitters, no conflicts (2 of 4 stars). 2 submissions from 2 submitters: Uncertain significance (2). Last evaluated 2022-02-02.

Conditions:
Early-infantile DEE. Also called: Ohtahara syndrome; Early infantile epileptic encephalopathy; Early infantile epileptic encephalopathy with suppression bursts. Identifiers: Orphanet 1934, MedGen C0393706, MONDO:0800491.
Generalized epilepsy with febrile seizures plus, type 2 (GEFSP2). Also called: GEFS+, TYPE 2. Identifiers: Orphanet 36387, MedGen C1858673, MONDO:0011461, OMIM 604403.

Submissions (2):

Victorian Clinical Genetics Services, Murdoch Childrens Research Institute
Classification: Uncertain significance for Generalized epilepsy with febrile seizures plus, type 2. Last evaluated: 2022-02-02. Review status: criteria provided, single submitter. Criteria: ACMG Guidelines, 2015. Collection method: clinical testing. Allele origin: germline. Inheritance: Autosomal dominant inheritance.
Comment: Based on the classification scheme VCGS_Germline_v1.3.4, this variant is classified as VUS-3A. Following criteria are met: 0103 - Loss of function and gain of function are known mechanisms of disease in this gene and are associated with SCN1A-related epilepsy (PMID: 28488083). (I) 0107 - This gene is associated with autosomal dominant disease. (I) 0216 - In-frame insertion/deletion in a non-repetitive region that has low conservation. (SP) 0251 - This variant is heterozygous. (I) 0301 - Variant is absent from gnomAD (both v2 and v3). (SP) 0309 - An alternative amino acid change in the same region has been observed in gnomAD (v2) (1 heterozygote, 0 homozygotes). (I) 0600 - Variant is located in the annotated ion transporter domain (NCBI, DECIPHER). (I) 0705 - No comparable inframe deletion variants have previous evidence for pathogenicity. However, a missense variant (p.(Val309Asp)) affecting a residue within this deleted region has been reported as a VUS (ClinVar). (I) 0807 - This variant has no previous evidence of pathogenicity. (I) 0905 - No published segregation evidence has been identified for this variant. (I) 1007 - No published functional evidence has been identified for this variant. (SP) Legend: (SP) - Supporting pathogenic, (I) - Information, (SB) - Supporting benign

Labcorp Genetics (formerly Invitae), Labcorp
Classification: Uncertain significance for Early-infantile DEE. Last evaluated: 2021-03-09. Review status: criteria provided, single submitter. Criteria: Invitae Variant Classification Sherloc (09022015). Collection method: clinical testing. Allele origin: germline.
Comment: This variant, c.926_931del, results in the deletion of 2 amino acid(s) of the SCN1A protein (p.Val309_Phe310del), but otherwise preserves the integrity of the reading frame. This variant is not present in population databases (ExAC no frequency). This variant has not been reported in the literature in individuals with SCN1A-related conditions. Experimental studies and prediction algorithms are not available or were not evaluated, and the functional significance of this variant is currently unknown. In summary, the available evidence is currently insufficient to determine the role of this variant in disease. Therefore, it has been classified as a Variant of Uncertain Significance.

Literature cited by the submitters: PubMed 28488083 (cited by Victorian Clinical Genetics Services, Murdoch Childrens Research Institute).

NM_001165963.4(SCN1A):c.926_931del (p.Val309_Phe310del)

Gene: SCN1A (sodium voltage-gated channel alpha subunit 1; minus strand). Cytogenetic location: 2q24.3.
Variant type: Deletion.
Coding change: c.926_931del on transcript NM_001165963.4 (MANE Select); coding-DNA positions 926 to 931, 6 bases deleted (TCTTTG; older notation c.926_931delTCTTTG).
Protein change: p.Val309_Phe310del.
Molecular consequence: inframe deletion. On other transcripts: 5 prime UTR variant (1), non-coding transcript variant (1).
Genome position (GRCh38, 1-based): chr2:166,051,752-166,051,757, CAAAGA deleted on the plus strand (TCTTTG on the coding strand, the reverse complement: SCN1A is on the minus strand); deleting any 6 consecutive bases within chr2:166,051,752-166,051,759 gives the same sequence; the c. name uses the placement nearest the transcript's 3' end. VCF-style (leftmost placement, unchanged base first): chr2-166051751-TCAAAGA-T. GRCh37 (hg19) VCF-style: chr2-166908261-TCAAAGA-T.
Other names: c.926_931del, p.Val309_Phe310del (NM_001165964.3, NM_001202435.3, NM_001353948.2 and 10 more transcripts); c.-1500_-1495del (NM_001353961.2).
Identifiers: ClinVar variation 1515389 (VCV001515389.10), dbSNP rs2105888808, ClinGen allele CA2573050713.